The following is an entry in ClinVar:

ClinVar aggregate classification (germline): Uncertain significance. Review status: criteria provided, multiple submitters, no conflicts (2 of 4 stars). 2 submissions from 2 submitters: Uncertain significance (2). Last evaluated 2026-05-01.

Conditions:
Inborn genetic diseases. Identifiers: MedGen C0950123, MeSH D030342.

gnomAD v4.1: 24 of 1,614,032 alleles (0.0015%); highest among the groups gnomAD compares: Middle Eastern, 0.016%; no homozygotes.

Submissions (2):

CeGaT Center for Human Genetics Tuebingen
Classification: Uncertain significance. Last evaluated: 2026-05-01. Review status: criteria provided, single submitter. Criteria: CeGaT Center For Human Genetics Tuebingen Variant Classification Criteria Version 2. Collection method: clinical testing. Allele origin: germline. Affected: yes. Observed: 1 variant allele.
Comment: PAPPA2: PM2, BP4

Ambry Genetics
Classification: Uncertain significance for Inborn genetic diseases. Last evaluated: 2025-04-30. Review status: criteria provided, single submitter. Criteria: Ambry Variant Classification Scheme 2023. Collection method: clinical testing. Allele origin: germline.

NM_020318.3(PAPPA2):c.671A>G (p.Lys224Arg)

Genes: PAPPA2 (pappalysin 2; plus strand), LOC126805929 (MED14-independent group 3 enhancer GRCh37_chr1:176525984-176527183; plus strand). Cytogenetic location: 1q25.2.
Variant type: single nucleotide variant.
Coding change: c.671A>G on transcript NM_020318.3 (MANE Select); coding-DNA position 671, A replaced by G.
Protein change: p.Lys224Arg; replaces lysine 224 with arginine.
Molecular consequence: missense variant.
Genome position (GRCh38, 1-based): chr1:176,556,993, A>G. VCF-style: chr1-176556993-A-G. GRCh37 (hg19) VCF-style: chr1-176526129-A-G.
Other names: c.671A>G, p.Lys224Arg (NM_021936.3); short protein forms K224R.
Identifiers: ClinVar variation 3927820 (VCV003927820.3).